The following is an entry in ClinVar:

NM_000069.3(CACNA1S):c.4270A>G (p.Thr1424Ala)

Gene: CACNA1S (calcium voltage-gated channel subunit alpha1 S; minus strand). Cytogenetic location: 1q32.1.
Variant type: single nucleotide variant.
Coding change: c.4270A>G on transcript NM_000069.3 (MANE Select); coding-DNA position 4270, A replaced by G.
Protein change: p.Thr1424Ala; replaces threonine 1424 with alanine.
Molecular consequence: missense variant.
Genome position (GRCh38, 1-based): chr1:201,049,071, T>C on the plus strand (A>G on the coding strand, the complement: CACNA1S is on the minus strand). VCF-style: chr1-201049071-T-C. GRCh37 (hg19) VCF-style: chr1-201018199-T-C.
Other names: short protein forms T1424A.
Identifiers: ClinVar variation 2662951 (VCV002662951.1), dbSNP rs2464438053, ClinGen allele CA344146449.

ClinVar aggregate classification (germline): Uncertain significance (1 of 4 stars; one submission).

Submission:

GeneDx
Classification: Uncertain significance. Last evaluated: 2023-11-10. Review status: criteria provided, single submitter. Criteria: GeneDx Variant Classification Process June 2021. Collection method: clinical testing. Allele origin: germline. Affected: yes.
Comment: Not observed at significant frequency in large population cohorts (gnomAD); In silico analysis supports that this missense variant has a deleterious effect on protein structure/function; Has not been previously published as pathogenic or benign to our knowledge